The following is an entry in ClinVar:

NM_001267550.2(TTN):c.71848_71855dup (p.Gly23953fs)

Genes: TTN (titin; minus strand), TTN-AS1 (TTN antisense RNA 1; plus strand). Cytogenetic location: 2q31.2.
Variant type: Duplication.
Coding change: c.71848_71855dup on transcript NM_001267550.2 (MANE Select); coding-DNA positions 71848 to 71855, 8 bases duplicated (TATACTGG; older notation c.71848_71855dupTATACTGG).
Protein change: p.Gly23953fs; shifts the reading frame from glycine 23953.
Molecular consequence: frameshift variant.
Genome position (GRCh38, 1-based): chr2:178,574,277-178,574,284, CCAGTATA duplicated on the plus strand (TATACTGG on the coding strand, the reverse complement: TTN is on the minus strand). VCF-style (leftmost placement, unchanged base first): chr2-178574276-C-CCCAGTATA. GRCh37 (hg19) VCF-style: chr2-179439003-C-CCCAGTATA.
Other names: c.44653_44660dupTATACTGG (NM_003319.4); c.66925_66932dup, p.Gly22312fs (NM_001256850.1); c.44653_44660dup, p.Gly14888fs (NM_003319.4); c.64144_64151dup, p.Gly21385fs (NM_133378.4); c.45028_45035dup, p.Gly15013fs (NM_133432.3); c.45229_45236dup, p.Gly15080fs (NM_133437.4); short protein forms G14888fs, G15013fs, G15080fs, G21385fs, G22312fs, G23953fs.
Identifiers: ClinVar variation 1285158 (VCV001285158.10), dbSNP rs1254650118, ClinGen allele CA761291055.
Genomic context (GRCh38, chr2:178,574,276, plus strand): 5'-CAGCCACCGTCCATTAGGAAGGTCTCTCTTTTCAACGATATAACTGGTAATTTTAAAGCC[C>CCCAGTATA]CCAGTATATTCAGGCTTAGCCCATTTAAGTGTTACTGTGTGTCTTGTAATATTTAGAGGT-3'

ClinVar aggregate classification (germline): Likely pathogenic. Review status: criteria provided, multiple submitters, no conflicts (2 of 4 stars). 4 submissions from 4 submitters: Likely pathogenic (2). 2 of the submissions do not count toward it. Last evaluated 2024-01-03.

Conditions:
Cardiovascular phenotype. Identifiers: MedGen CN230736.
Dilated cardiomyopathy 1G (CMD1G). Identifiers: Orphanet 154, MedGen C1858763, MONDO:0011400, OMIM 604145.
Autosomal recessive limb-girdle muscular dystrophy type 2J (LGMDR10). Also called: MUSCULAR DYSTROPHY, LIMB-GIRDLE, AUTOSOMAL RECESSIVE 10; Limb-girdle muscular dystrophy, type 2J. Identifiers: Orphanet 140922, MedGen C1837342, MONDO:0012127, OMIM 608807.

Allele frequency attached by ClinVar (database versions not stated): TOPMed below 0.00001.

Submissions (4):

Ambry Genetics
Classification: Likely pathogenic for Cardiovascular phenotype. Last evaluated: 2024-01-03. Review status: criteria provided, single submitter. Criteria: Ambry Variant Classification Scheme 2023. Collection method: clinical testing. Allele origin: germline.
Comment: The c.44653_44660dupTATACTGG variant, located in coding exon 153 of the TTN gene, results from a duplication of TATACTGG at nucleotide position 44653, causing a translational frameshift with a predicted alternate stop codon (p.G14888Ifs*23). This exon is located in the A-band region of the N2-B isoform of the titin protein and is constitutively expressed in TTN transcripts (percent spliced in or PSI 100%). This variant is considered to be rare based on population cohorts in the Genome Aggregation Database (gnomAD). This alteration is expected to result in loss of function by premature protein truncation or nonsense-mediated mRNA decay. While truncating variants in TTN are present in 1-3% of the general population, truncating variants in the A-band are the most common cause of dilated cardiomyopathy (DCM) (Herman DS et al. N. Engl. J. Med., 2012 Feb;366:619-28; Roberts AM et al. Sci Transl Med, 2015 Jan;7:270ra6). TTN truncating variants encoded in constitutive exons (PSI >90%) have been found to be significantly associated with DCM regardless of their position in titin (Schafer S et al. Nat. Genet., 2017 01;49:46-53). Based on the majority of available evidence to date, this variant is likely to be pathogenic.

Labcorp Genetics (formerly Invitae), Labcorp
Classification: Likely pathogenic for Dilated cardiomyopathy 1G; Autosomal recessive limb-girdle muscular dystrophy type 2J. Last evaluated: 2022-03-29. Review status: criteria provided, single submitter. Criteria: Invitae Variant Classification Sherloc (09022015). Collection method: clinical testing. Allele origin: germline.
Comment: This sequence change creates a premature translational stop signal (p.Gly23953Ilefs*23) in the TTN gene. While this is not anticipated to result in nonsense mediated decay, it is expected to create a truncated TTN protein. In summary, the currently available evidence indicates that the variant is pathogenic, but additional data are needed to prove that conclusively. Therefore, this variant has been classified as Likely Pathogenic. This variant is located in the A band of TTN (PMID: 25589632). Truncating variants in this region are significantly overrepresented in patients affected with dilated cardiomyopathy (PMID: 25589632). Truncating variants in this region have also been reported in individuals affected with autosomal recessive centronuclear myopathy (PMID: 23975875). Algorithms developed to predict the effect of sequence changes on RNA splicing suggest that this variant may create or strengthen a splice site. ClinVar contains an entry for this variant (Variation ID: 1285158). This variant has not been reported in the literature in individuals affected with TTN-related conditions. This variant is not present in population databases (gnomAD no frequency).

Genome Diagnostics Laboratory, University Medical Center Utrecht
Classification: Pathogenic. Review status: no assertion criteria provided. Collection method: clinical testing. Allele origin: germline. Affected: yes. Study: VKGL Data-share Consensus. Not counted in ClinVar's aggregate classification.

Joint Genome Diagnostic Labs from Nijmegen and Maastricht, Radboudumc and MUMC+
Classification: Likely pathogenic. Review status: no assertion criteria provided. Collection method: clinical testing. Allele origin: germline. Affected: yes. Study: VKGL Data-share Consensus. Not counted in ClinVar's aggregate classification.

Literature cited by the submitters: PubMed 25589632 (cited by Labcorp Genetics (formerly Invitae), Labcorp); PubMed 23975875 (cited by Labcorp Genetics (formerly Invitae), Labcorp).